The following is an entry in ClinVar:

ClinVar aggregate classification (germline): Uncertain significance. Review status: criteria provided, multiple submitters, no conflicts (2 of 4 stars). 5 submissions from 5 submitters: Uncertain significance (5). Last evaluated 2025-11-25.

Conditions:
Hereditary cancer-predisposing syndrome. Also called: Hereditary Cancer Syndrome; Hereditary neoplastic syndrome; Tumor predisposition; Neoplastic Syndromes, Hereditary. Identifiers: Orphanet 140162, MedGen C0027672, MeSH D009386, MONDO:0015356.
Peutz-Jeghers syndrome (PJS). Also called: POLYPOSIS, HAMARTOMATOUS INTESTINAL; POLYPS-AND-SPOTS SYNDROME; Peutz-Jeghers polyposis; Periorificial lentiginosis syndrome. Identifiers: Orphanet 2869, MedGen C0031269, MeSH D010580, MONDO:0008280, OMIM 175200.

Submissions (5):

Labcorp Genetics (formerly Invitae), Labcorp
Classification: Uncertain significance for Peutz-Jeghers syndrome. Last evaluated: 2025-11-25. Review status: criteria provided, single submitter. Criteria: Invitae Variant Classification Sherloc (09022015). Collection method: clinical testing. Allele origin: germline.
Comment: This sequence change replaces serine, which is neutral and polar, with asparagine, which is neutral and polar, at codon 421 of the STK11 protein (p.Ser421Asn). Information on the frequency of this variant in the gnomAD database is not available, as this variant may be reported differently in the database. This variant has not been reported in the literature in individuals affected with STK11-related conditions. ClinVar contains an entry for this variant (Variation ID: 458030). An algorithm developed to predict the effect of missense changes on protein structure and function (PolyPhen-2) suggests that this variant is likely to be tolerated. In summary, the available evidence is currently insufficient to determine the role of this variant in disease. Therefore, it has been classified as a Variant of Uncertain Significance.

Color Diagnostics, LLC DBA Color Health
Classification: Uncertain significance for Hereditary cancer-predisposing syndrome. Last evaluated: 2024-03-06. Review status: criteria provided, single submitter. Criteria: ACMG Guidelines, 2015. Collection method: clinical testing. Allele origin: germline.
Comment: This missense variant replaces serine with asparagine at codon 421 of the STK11 protein. Computational prediction is inconclusive regarding the impact of this variant on protein structure and function (internally defined REVEL score threshold 0.5 < inconclusive < 0.7, PMID: 27666373). To our knowledge, functional studies have not been reported for this variant. This variant has not been reported in individuals affected with hereditary cancer in the literature. This variant has not been identified in the general population by the Genome Aggregation Database (gnomAD). The available evidence is insufficient to determine the role of this variant in disease conclusively. Therefore, this variant is classified as a Variant of Uncertain Significance.

Ambry Genetics
Classification: Uncertain significance for Hereditary cancer-predisposing syndrome. Last evaluated: 2023-12-18. Review status: criteria provided, single submitter. Criteria: Ambry Variant Classification Scheme 2023. Collection method: clinical testing. Allele origin: germline.
Comment: The c.1262_1263delGCinsAT variant (also known as p.S421N), located in coding exon 9 of the STK11 gene, results from a deletion of GC and insertion of AT between nucleotide positions 1262 and 1263. This results in the substitution of the serine residue for an asparagine residue at codon 421, an amino acid with highly similar properties. This amino acid position is not well conserved in available vertebrate species. In addition, this alteration is predicted to be neutral by in silico analysis (Choi Y et al. PLoS ONE. 2012; 7(10):e46688). Since supporting evidence is limited at this time, the clinical significance of this alteration remains unclear.

Genome-Nilou Lab
Classification: Uncertain significance for Peutz-Jeghers syndrome. Last evaluated: 2021-07-15. Review status: criteria provided, single submitter. Criteria: ACMG Guidelines, 2015. Collection method: clinical testing. Allele origin: germline. Affected: no.

Quest Diagnostics Nichols Institute San Juan Capistrano
Classification: Uncertain significance. Last evaluated: 2021-06-22. Review status: criteria provided, single submitter. Criteria: Quest Diagnostics criteria. Collection method: clinical testing. Allele origin: unknown.

NM_000455.5(STK11):c.1262_1263delinsAT (p.Ser421Asn)

Gene: STK11 (serine/threonine kinase 11; plus strand). Cytogenetic location: 19p13.3.
Variant type: Indel.
Coding change: c.1262_1263delinsAT on transcript NM_000455.5 (MANE Select); coding-DNA positions 1262 to 1263, GC replaced by AT.
Protein change: p.Ser421Asn; replaces serine 421 with asparagine.
Molecular consequence: missense variant.
Genome position (GRCh38, 1-based): chr19:1,226,607-1,226,608, GC replaced by AT. VCF-style: chr19-1226607-GC-AT. GRCh37 (hg19) VCF-style: chr19-1226606-GC-AT.
Other names: c.1262_1263delGCinsAT (NM_000455.4); short protein forms S421N.
Identifiers: ClinVar variation 458030 (VCV000458030.19), dbSNP rs1555740261, ClinGen allele CA658656792.